The following is an entry in ClinVar:

ClinVar aggregate classification (germline): Uncertain significance. Review status: criteria provided, multiple submitters, no conflicts (2 of 4 stars). 2 submissions from 2 submitters: Uncertain significance (2). Last evaluated 2019-10-17.

Conditions:
Leigh syndrome (NULS). Also called: Leigh's necrotizing encephalopathy; Leigh's disease; Leigh Syndrome (mtDNA deletion); Leigh Disease; Subacute necrotizing encephalopathy; Necrotizing encephalopathy infantile subacute of Leigh. Identifiers: Orphanet 506, MedGen C2931891, MONDO:0009723, OMIM 256000.

Submissions (2):

Wong Mito Lab, Molecular and Human Genetics, Baylor College of Medicine
Classification: Uncertain significance for Leigh syndrome. Last evaluated: 2019-10-17. Review status: criteria provided, single submitter. Criteria: Modified ACMG Guidelines (Unpublished). Collection method: clinical testing. Allele origin: germline.
Comment: The NC_012920.1:m.3526G>A (YP_003024026.1:p.Ala74Thr) variant in MTND1 gene is interpretated to be a Uncertain Significance variant based on the modified ACMG guidelines (unpublished). This variant meets the following evidence codes: PP6

Breakthrough Genomics
Classification: Uncertain significance. Review status: criteria provided, single submitter. Criteria: ACMG Guidelines, 2015. Collection method: not provided. Allele origin: germline. Inheritance: Unknown mechanism. Affected: yes.

NC_012920.1(MT-ND1):m.3526G>A

Gene: MT-ND1 (mitochondrially encoded NADH dehydrogenase 1; plus strand).
Variant type: single nucleotide variant.
Genome position: chrM-3526-G-A.
Identifiers: ClinVar variation 692367 (VCV000692367.2), dbSNP rs1603218998, ClinGen allele CA414772965.